The following is an entry in ClinVar:

NM_000127.3(EXT1):c.1910A>G (p.Tyr637Cys)

Gene: EXT1 (exostosin glycosyltransferase 1; minus strand). Cytogenetic location: 8q24.11.
Variant type: single nucleotide variant.
Coding change: c.1910A>G on transcript NM_000127.3 (MANE Select); coding-DNA position 1910, A replaced by G.
Protein change: p.Tyr637Cys; replaces tyrosine 637 with cysteine.
Molecular consequence: missense variant.
Genome position (GRCh38, 1-based): chr8:117,804,867, T>C on the plus strand (A>G on the coding strand, the complement: EXT1 is on the minus strand). VCF-style: chr8-117804867-T-C. GRCh37 (hg19) VCF-style: chr8-118817106-T-C.
Other names: short protein forms Y637C.
Identifiers: ClinVar variation 2698563 (VCV002698563.3), dbSNP rs2488085660, ClinGen allele CA371877632.

ClinVar aggregate classification (germline): Uncertain significance (1 of 4 stars; one submission).

Conditions:
Multiple congenital exostosis (EXT). Also called: Hereditary multiple osteochondromas; MULTIPLE CARTILAGINOUS EXOSTOSES; Hereditary multiple exostoses; Hereditary multiple exostosis; Multiple osteochondromas; Multiple exostoses. Identifiers: Orphanet 321, MedGen C0015306, MONDO:0005508, HP:0002762.

Submission:

Labcorp Genetics (formerly Invitae), Labcorp
Classification: Uncertain significance for Multiple congenital exostosis. Last evaluated: 2023-11-24. Review status: criteria provided, single submitter. Criteria: Invitae Variant Classification Sherloc (09022015). Collection method: clinical testing. Allele origin: germline.
Comment: This sequence change replaces tyrosine, which is neutral and polar, with cysteine, which is neutral and slightly polar, at codon 637 of the EXT1 protein (p.Tyr637Cys). This variant is not present in population databases (gnomAD no frequency). This variant has not been reported in the literature in individuals affected with EXT1-related conditions. Advanced modeling of protein sequence and biophysical properties (such as structural, functional, and spatial information, amino acid conservation, physicochemical variation, residue mobility, and thermodynamic stability) has been performed at Invitae for this missense variant, however the output from this modeling did not meet the statistical confidence thresholds required to predict the impact of this variant on EXT1 protein function. In summary, the available evidence is currently insufficient to determine the role of this variant in disease. Therefore, it has been classified as a Variant of Uncertain Significance.